The following is an entry in ClinVar:

ClinVar aggregate classification (germline): Uncertain significance (1 of 4 stars; one submission).

Allele frequency attached by ClinVar (database versions not stated): gnomAD exomes below 0.00001; ExAC 0.00001; gnomAD 0.00001; TOPMed 0.00001.
gnomAD v4.1: 6 of 1,614,026 alleles (0.00037%); highest among the groups gnomAD compares: African/African-American, 0.004%; no homozygotes.

Submission:

Ambry Genetics
Classification: Uncertain significance. Last evaluated: 2023-09-22. Review status: criteria provided, single submitter. Criteria: Ambry Variant Classification Scheme 2023. Collection method: clinical testing. Allele origin: germline.
Comment: The p.E518K variant (also known as c.1552G>A), located in coding exon 13 of the NPAT gene, results from a G to A substitution at nucleotide position 1552. The glutamic acid at codon 518 is replaced by lysine, an amino acid with similar properties. This amino acid position is conserved. In addition, this alteration is predicted to be tolerated by in silico analysis. Since supporting evidence is limited at this time, the clinical significance of this alteration remains unclear.

NM_002519.3(NPAT):c.1552G>A (p.Glu518Lys)

Gene: NPAT (nuclear protein, coactivator of histone transcription; minus strand). Cytogenetic location: 11q22.3.
Variant type: single nucleotide variant.
Coding change: c.1552G>A on transcript NM_002519.3 (MANE Select); coding-DNA position 1552, G replaced by A.
Protein change: p.Glu518Lys; replaces glutamic acid 518 with lysine.
Molecular consequence: missense variant.
Genome position (GRCh38, 1-based): chr11:108,173,432, C>T on the plus strand (G>A on the coding strand, the complement: NPAT is on the minus strand). VCF-style: chr11-108173432-C-T. GRCh37 (hg19) VCF-style: chr11-108044159-C-T.
Other names: c.1552G>A, p.Glu518Lys (NM_001321307.1); short protein forms E518K.
Identifiers: ClinVar variation 1775086 (VCV001775086.2), dbSNP rs761724770, ClinGen allele CA6263972.